The following is an entry in ClinVar:

ClinVar aggregate classification (germline): Uncertain significance. Review status: criteria provided, multiple submitters, no conflicts (2 of 4 stars). 3 submissions from 3 submitters: Uncertain significance (3). Last evaluated 2026-08-28.

Allele frequency attached by ClinVar (database versions not stated): gnomAD exomes 0.00006 and 0.00016; TOPMed 0.00059; ESP Exome Variant Server 0.00085; ExAC 0.00016; gnomAD 0.00058 and 0.00062.
gnomAD v4.1: 175 of 1,597,572 alleles (0.011%); highest among the groups gnomAD compares: African/African-American, 0.21%; no homozygotes.

Submissions (3):

GeneDx
Classification: Uncertain significance. Last evaluated: 2026-08-28. Review status: criteria provided, single submitter. Criteria: GeneDx Variant Classification Process June 2021. Collection method: clinical testing. Allele origin: germline.
Comment: In silico analysis supports that this missense variant has a deleterious effect on protein structure/function; Has not been previously published as pathogenic or benign to our knowledge

Ambry Genetics
Classification: Uncertain significance. Last evaluated: 2025-11-24. Review status: criteria provided, single submitter. Criteria: Ambry Variant Classification Scheme 2023. Collection method: clinical testing. Allele origin: germline.

Breakthrough Genomics
Classification: Uncertain significance. Review status: criteria provided, single submitter. Criteria: ACMG Guidelines, 2015. Collection method: not provided. Allele origin: germline. Inheritance: Unknown mechanism. Affected: yes.

NM_001004320.2(AGMO):c.397C>T (p.Arg133Cys)

Gene: AGMO (alkylglycerol monooxygenase; minus strand). Cytogenetic location: 7p21.2.
Variant type: single nucleotide variant.
Coding change: c.397C>T on transcript NM_001004320.2 (MANE Select); coding-DNA position 397, C replaced by T.
Protein change: p.Arg133Cys; replaces arginine 133 with cysteine.
Molecular consequence: missense variant.
Genome position (GRCh38, 1-based): chr7:15,544,784, G>A on the plus strand (C>T on the coding strand, the complement: AGMO is on the minus strand). VCF-style: chr7-15544784-G-A. GRCh37 (hg19) VCF-style: chr7-15584409-G-A.
Other names: short protein forms R133C.
Identifiers: ClinVar variation 1301491 (VCV001301491.9), dbSNP rs149570873, ClinGen allele CA4168820.